The following is an entry in ClinVar:

ClinVar aggregate classification (germline): Uncertain significance (1 of 4 stars; one submission).

Conditions:
RASopathy. Also called: rasopathies; Noonan spectrum disorder. Identifiers: Orphanet 536391, MedGen C5555857, MONDO:0021060.

Submission:

Labcorp Genetics (formerly Invitae), Labcorp
Classification: Uncertain significance for RASopathy. Last evaluated: 2020-03-05. Review status: criteria provided, single submitter. Criteria: Invitae Variant Classification Sherloc (09022015). Collection method: clinical testing. Allele origin: germline.
Comment: This variant has not been reported in the literature in individuals with SOS1-related conditions. In summary, the available evidence is currently insufficient to determine the role of this variant in disease. Therefore, it has been classified as a Variant of Uncertain Significance. Algorithms developed to predict the effect of missense changes on protein structure and function (SIFT, PolyPhen-2, Align-GVGD) all suggest that this variant is likely to be tolerated, but these predictions have not been confirmed by published functional studies and their clinical significance is uncertain. This variant is not present in population databases (ExAC no frequency). This sequence change replaces glutamine with leucine at codon 61 of the SOS1 protein (p.Gln61Leu). The glutamine residue is moderately conserved and there is a moderate physicochemical difference between glutamine and leucine.

NM_005633.4(SOS1):c.182A>T (p.Gln61Leu)

Gene: SOS1 (SOS Ras/Rac guanine nucleotide exchange factor 1; minus strand). Cytogenetic location: 2p22.1.
Variant type: single nucleotide variant.
Coding change: c.182A>T on transcript NM_005633.4 (MANE Select); coding-DNA position 182, A replaced by T.
Protein change: p.Gln61Leu; replaces glutamine 61 with leucine.
Molecular consequence: missense variant.
Genome position (GRCh38, 1-based): chr2:39,067,659, T>A on the plus strand (A>T on the coding strand, the complement: SOS1 is on the minus strand). VCF-style: chr2-39067659-T-A. GRCh37 (hg19) VCF-style: chr2-39294800-T-A.
Other names: c.161A>T, p.Gln54Leu (NM_001382394.1); c.182A>T, p.Gln61Leu (NM_001382395.1); short protein forms Q54L, Q61L.
Identifiers: ClinVar variation 1016945 (VCV001016945.8), dbSNP rs1671636707, ClinGen allele CA346374155.